The following is an entry in ClinVar:

NM_020232.5(PSMG2):c.676G>A (p.Glu226Lys)

Gene: PSMG2 (proteasome assembly chaperone 2; plus strand). Cytogenetic location: 18p11.21.
Variant type: single nucleotide variant.
Coding change: c.676G>A on transcript NM_020232.5 (MANE Select); coding-DNA position 676, G replaced by A.
Protein change: p.Glu226Lys; replaces glutamic acid 226 with lysine.
Molecular consequence: missense variant.
Genome position (GRCh38, 1-based): chr18:12,724,593, G>A. VCF-style: chr18-12724593-G-A. GRCh37 (hg19) VCF-style: chr18-12724592-G-A.
Other names: c.583G>A, p.Glu195Lys (NM_147163.2); short protein forms E226K, E195K.
Identifiers: ClinVar variation 3784499 (VCV003784499.2).

ClinVar aggregate classification (germline): Uncertain significance. Review status: criteria provided, multiple submitters, no conflicts (2 of 4 stars). 2 submissions from 2 submitters: Uncertain significance (2). Last evaluated 2025-03-18.

gnomAD v4.1: 2 of 1,608,052 alleles (0.00012%); highest among the groups gnomAD compares: East Asian, 0.0022%; no homozygotes.

Submissions (2):

Labcorp Genetics (formerly Invitae), Labcorp
Classification: Uncertain significance. Last evaluated: 2025-03-18. Review status: criteria provided, single submitter. Criteria: Invitae Variant Classification Sherloc (09022015). Collection method: clinical testing. Allele origin: germline.
Comment: This sequence change replaces glutamic acid, which is acidic and polar, with lysine, which is basic and polar, at codon 226 of the PSMG2 protein (p.Glu226Lys). This variant is not present in population databases (gnomAD no frequency). This variant has not been reported in the literature in individuals affected with PSMG2-related conditions. An algorithm developed to predict the effect of missense changes on protein structure and function (PolyPhen-2) suggests that this variant is likely to be tolerated. In summary, the available evidence is currently insufficient to determine the role of this variant in disease. Therefore, it has been classified as a Variant of Uncertain Significance.

Ambry Genetics
Classification: Uncertain significance. Last evaluated: 2025-01-28. Review status: criteria provided, single submitter. Criteria: Ambry Variant Classification Scheme 2023. Collection method: clinical testing. Allele origin: germline.